The following is an entry in ClinVar:

ClinVar aggregate classification (germline): Conflicting classifications of pathogenicity. Review status: criteria provided, conflicting classifications (1 of 4 stars). 4 submissions from 4 submitters: Uncertain significance (3); Benign (1). Last evaluated 2026-01-11.

Conditions:
Nemaline myopathy 6 (NEM6). Also called: Nemaline myopathy 6, autosomal dominant. Identifiers: Orphanet 171439, MedGen C1836472, MONDO:0012237, OMIM 609273.

Allele frequency attached by ClinVar (database versions not stated): TOPMed 0.00012; gnomAD 0.00019.

Submissions (4):

Labcorp Genetics (formerly Invitae), Labcorp
Classification: Benign for Nemaline myopathy 6. Last evaluated: 2026-01-11. Review status: criteria provided, single submitter. Criteria: Invitae Variant Classification Sherloc (09022015). Collection method: clinical testing. Allele origin: germline.

Revvity Omics, Revvity
Classification: Uncertain significance for Nemaline myopathy 6. Last evaluated: 2023-10-27. Review status: criteria provided, single submitter. Criteria: ACMG Guidelines, 2015. Collection method: clinical testing. Allele origin: germline.

Illumina Laboratory Services, Illumina
Classification: Uncertain significance for Nemaline myopathy 6. Last evaluated: 2018-01-13. Review status: criteria provided, single submitter. Criteria: ICSL Variant Classification Criteria 13 December 2019. Collection method: clinical testing. Allele origin: germline.

GeneDx
Classification: Uncertain significance. Last evaluated: 2017-05-18. Review status: criteria provided, single submitter. Criteria: GeneDx Variant Classification (06012015). Collection method: clinical testing. Allele origin: germline. Affected: yes.
Comment: A variant of uncertain significance has been identified in the KBTBD13 gene. The D111N variant has not been published as a pathogenic variant, nor has it been reported as a benign variant to our knowledge. The D111N variant is observed in 15/69584 (0.02%) in individuals undergoing testing at GeneDx (Lek et al., 2016; 1000 Genomes Consortium et al., 2015; Exome Variant Server). The D111N variant is a semi-conservative amino acid substitution, which may impact secondary protein structure as these residues differ in some properties. However, this substitution occurs at a position that is not conserved. In silico analysis is inconsistent in its predictions as to whether or not the variant is damaging to the protein structure/function. Therefore, based on the currently available information, it is unclear whether this variant is a pathogenic variant or a rare benign variant.

NM_001101362.3(KBTBD13):c.331G>A (p.Asp111Asn)

Gene: KBTBD13 (kelch repeat and BTB domain containing 13; plus strand). Cytogenetic location: 15q22.31.
Variant type: single nucleotide variant.
Coding change: c.331G>A on transcript NM_001101362.3 (MANE Select); coding-DNA position 331, G replaced by A.
Protein change: p.Asp111Asn; replaces aspartic acid 111 with asparagine.
Molecular consequence: missense variant.
Genome position (GRCh38, 1-based): chr15:65,077,146, G>A. VCF-style: chr15-65077146-G-A. GRCh37 (hg19) VCF-style: chr15-65369484-G-A.
Other names: short protein forms D111N.
Identifiers: ClinVar variation 316738 (VCV000316738.19), dbSNP rs567309902, ClinGen allele CA10636342.